The following is an entry in ClinVar:

NM_002693.3(POLG):c.3393C>G (p.Ile1131Met)

Gene: POLG (DNA polymerase gamma, catalytic subunit; minus strand). Cytogenetic location: 15q26.1.
Variant type: single nucleotide variant.
Coding change: c.3393C>G on transcript NM_002693.3 (MANE Select); coding-DNA position 3393, C replaced by G.
Protein change: p.Ile1131Met; replaces isoleucine 1131 with methionine.
Molecular consequence: missense variant.
Genome position (GRCh38, 1-based): chr15:89,318,630, G>C on the plus strand (C>G on the coding strand, the complement: POLG is on the minus strand). VCF-style: chr15-89318630-G-C. GRCh37 (hg19) VCF-style: chr15-89861861-G-C.
Other names: c.3393C>G, p.Ile1131Met (NM_001126131.2); short protein forms I1131M.
Identifiers: ClinVar variation 2444357 (VCV002444357.1), dbSNP rs2509202702, ClinGen allele CA393749825.

ClinVar aggregate classification (germline): Uncertain significance (1 of 4 stars; one submission).

Conditions:
Progressive external ophthalmoplegia with mitochondrial DNA deletions, autosomal dominant 1 (PEOA1). Also called: PROGRESSIVE EXTERNAL OPHTHALMOPLEGIA, AUTOSOMAL DOMINANT 1; Autosomal Dominant Progressive External Ophthalmoplegia (adPEO). Identifiers: MedGen C1834846, MONDO:0024528, OMIM 157640.

Submission:

3billion
Classification: Uncertain significance for Progressive external ophthalmoplegia with mitochondrial DNA deletions, autosomal dominant 1. Last evaluated: 2023-02-23. Review status: criteria provided, single submitter. Criteria: ACMG Guidelines, 2015. Collection method: clinical testing. Allele origin: unknown. Affected: yes.
Comment: The variant is not observed in the gnomAD v2.1.1 dataset. Predicted Consequence/Location: In silico tool predictions suggest damaging effect of the variant on gene or gene product (REVEL: 0.82; 3Cnet: 0.65). Therefore, this variant is classified as VUS according to the recommendation of ACMG/AMP guideline.